The following is an entry in ClinVar:

NM_006129.5(BMP1):c.2431C>T (p.Arg811Ter)

Gene: BMP1 (bone morphogenetic protein 1; plus strand). Cytogenetic location: 8p21.3.
Variant type: single nucleotide variant.
Coding change: c.2431C>T on transcript NM_006129.5 (MANE Select); coding-DNA position 2431, C replaced by T.
Protein change: p.Arg811Ter; replaces arginine 811 with a stop codon.
Molecular consequence: nonsense. On other transcripts: non-coding transcript variant (1).
Genome position (GRCh38, 1-based): chr8:22,207,372, C>T. VCF-style: chr8-22207372-C-T. GRCh37 (hg19) VCF-style: chr8-22064885-C-T.
Other names: short protein forms R811*.
Identifiers: ClinVar variation 2041847 (VCV002041847.4), dbSNP rs898240891, ClinGen allele CA173474089.

ClinVar aggregate classification (germline): Pathogenic (1 of 4 stars; one submission).

Allele frequency attached by ClinVar (database versions not stated): gnomAD exomes below 0.00001; gnomAD 0.00001; TOPMed 0.00001.
gnomAD v4.1: 7 of 1,614,114 alleles (0.00043%); highest among the groups gnomAD compares: East Asian, 0.0022%; no homozygotes.

Submission:

Labcorp Genetics (formerly Invitae), Labcorp
Classification: Pathogenic. Last evaluated: 2022-10-31. Review status: criteria provided, single submitter. Criteria: Invitae Variant Classification Sherloc (09022015). Collection method: clinical testing. Allele origin: germline.
Comment: For these reasons, this variant has been classified as Pathogenic. This variant is present in population databases (no rsID available, gnomAD 0.0009%). This variant has not been reported in the literature in individuals affected with BMP1-related conditions. This sequence change creates a premature translational stop signal (p.Arg811*) in the BMP1 gene. It is expected to result in an absent or disrupted protein product. Loss-of-function variants in BMP1 are known to be pathogenic (PMID: 25656619, 27576954, 28257626).

Literature cited by the submitters: PubMed 25656619; PubMed 27576954; PubMed 28257626.